The following is an entry in ClinVar:

ClinVar aggregate classification (germline): Likely benign (0 of 4 stars; one submission).

Conditions:
RAI1-related disorder. Also called: RAI1-related condition.

Submission:

PreventionGenetics, part of Exact Sciences
Classification: Likely benign for RAI1-related condition. Last evaluated: 2024-05-02. Review status: no assertion criteria provided. Collection method: clinical testing. Allele origin: germline.
Comment: This variant is classified as likely benign based on ACMG/AMP sequence variant interpretation guidelines (Richards et al. 2015 PMID: 25741868, with internal and published modifications).

NM_030665.4(RAI1):c.141C>G (p.Ala47=)

Gene: RAI1 (retinoic acid induced 1; plus strand). Cytogenetic location: 17p11.2.
Variant type: single nucleotide variant.
Coding change: c.141C>G on transcript NM_030665.4 (MANE Select); coding-DNA position 141, C replaced by G.
Protein change: p.Ala47=; no amino-acid change (alanine 47 retained).
Molecular consequence: synonymous variant.
Genome position (GRCh38, 1-based): chr17:17,793,089, C>G. VCF-style: chr17-17793089-C-G. GRCh37 (hg19) VCF-style: chr17-17696403-C-G.
Identifiers: ClinVar variation 3346427 (VCV003346427.1).